The following is an entry in ClinVar:

NM_000179.2(MSH6):c.-3097_457+2010del

Genes: MSH6 (mutS homolog 6; plus strand), LOC129933705 (ATAC-STARR-seq lymphoblastoid active region 15741; plus strand), LOC129933706 (ATAC-STARR-seq lymphoblastoid silent region 11467; plus strand), LOC129933707 (ATAC-STARR-seq lymphoblastoid silent region 11468; plus strand), LOC129933708 (ATAC-STARR-seq lymphoblastoid silent region 11469; plus strand). Cytogenetic location: 2p16.3.
Variant type: Deletion.
Coding change: c.-3097_457+2010del on transcript NM_000179.2; 3097 bases upstream of the start codon through 2010 bases into the intron after coding-DNA position 457, this stretch deleted.
Other names: c.-3097_457+2010del (LRG_219t1).
Identifiers: ClinVar variation 89161 (VCV000089161.2).

ClinVar aggregate classification (germline): Pathogenic (3 of 4 stars; one submission).

Conditions:
Lynch syndrome. Identifiers: Orphanet 144, MedGen C4552100, MONDO:0005835. Disease mechanism: loss of function.

Submission:

International Society for Gastrointestinal Hereditary Tumours (InSiGHT)
Classification: Pathogenic for Lynch Syndrome. Last evaluated: 2013-09-05. Review status: reviewed by expert panel. Criteria: Guidelines v1.9. Collection method: research. Allele origin: germline.
Comment: Large deletion

Classified with v1.9 guidelines